The following is an entry in ClinVar:

NM_016932.5(SIX2):c.560+4_560+9del

Gene: SIX2 (SIX homeobox 2; minus strand). Cytogenetic location: 2p21.
Variant type: Deletion.
Coding change: c.560+4_560+9del on transcript NM_016932.5 (MANE Select); bases 4 to 9 of the intron after coding-DNA position 560, 6 bases deleted (CGAGTA; older notation c.560+4_560+9delCGAGTA).
Molecular consequence: splice donor variant.
Genome position (GRCh38, 1-based): chr2:45,008,542-45,008,547, TACTCG deleted on the plus strand (CGAGTA on the coding strand, the reverse complement: SIX2 is on the minus strand); deleting any 6 consecutive bases within chr2:45,008,542-45,008,550 gives the same sequence; the c. name uses the placement nearest the transcript's 3' end. VCF-style (leftmost placement, unchanged base first): chr2-45008541-TTACTCG-T. GRCh37 (hg19) VCF-style: chr2-45235680-TTACTCG-T.
Identifiers: ClinVar variation 3048230 (VCV003048230.4), dbSNP rs778544715, ClinGen allele CA1642564.

ClinVar aggregate classification (germline): Uncertain significance. Review status: criteria provided, single submitter (1 of 4 stars). 2 submissions from 2 submitters: Uncertain significance (1). 1 of the submissions does not count toward it. Last evaluated 2025-01-27.

Conditions:
SIX2-related disorder. Also called: SIX2-related condition.

Submissions (2):

Labcorp Genetics (formerly Invitae), Labcorp
Classification: Uncertain significance. Last evaluated: 2025-01-27. Review status: criteria provided, single submitter. Criteria: Invitae Variant Classification Sherloc (09022015). Collection method: clinical testing. Allele origin: germline.
Comment: This sequence change falls in intron 1 of the SIX2 gene. It does not directly change the encoded amino acid sequence of the SIX2 protein. It affects a nucleotide within the consensus splice site. This variant is present in population databases (rs778544715, gnomAD 0.05%). This variant has not been reported in the literature in individuals affected with SIX2-related conditions. ClinVar contains an entry for this variant (Variation ID: 3048230). Variants that disrupt the consensus splice site are a relatively common cause of aberrant splicing (PMID: 17576681, 9536098). Algorithms developed to predict the effect of sequence changes on RNA splicing suggest that this variant is not likely to affect RNA splicing. In summary, the available evidence is currently insufficient to determine the role of this variant in disease. Therefore, it has been classified as a Variant of Uncertain Significance.

PreventionGenetics, part of Exact Sciences
Classification: Likely benign for SIX2-related condition. Last evaluated: 2020-08-25. Review status: no assertion criteria provided. Collection method: clinical testing. Allele origin: germline. Not counted in ClinVar's aggregate classification.
Comment: This variant is classified as likely benign based on ACMG/AMP sequence variant interpretation guidelines (Richards et al. 2015 PMID: 25741868, with internal and published modifications).

Literature cited by the submitters: PubMed 17576681 (cited by Labcorp Genetics (formerly Invitae), Labcorp); PubMed 9536098 (cited by Labcorp Genetics (formerly Invitae), Labcorp).